The following is an entry in ClinVar:

NC_000008.10:g.(?_19362692)_(20112692_?)del

Genes: ATP6V1B2 (ATPase H+ transporting V1 subunit B2; plus strand), CSGALNACT1 (chondroitin sulfate N-acetylgalactosaminyltransferase 1; minus strand), INTS10 (integrator complex subunit 10; plus strand), LPL (lipoprotein lipase; plus strand), LZTS1 (leucine zipper tumor suppressor 1; minus strand) and 1 more. Cytogenetic location: 8p21.3.
Variant type: Deletion.
Identifiers: ClinVar variation 3245557 (VCV003245557.1).

ClinVar aggregate classification (germline): Pathogenic (1 of 4 stars; one submission).

Submission:

Labcorp Genetics (formerly Invitae), Labcorp
Classification: Pathogenic. Last evaluated: 2023-09-01. Review status: criteria provided, single submitter. Criteria: Invitae Variant Classification Sherloc (09022015). Collection method: clinical testing. Allele origin: unknown.
Comment: For these reasons, this variant has been classified as Pathogenic. This variant has not been reported in the literature in individuals affected with CSGALNACT1-related conditions. This variant is a gross deletion of the genomic region encompassing exon(s) 1-4 of the CSGALNACT1 gene, which includes the initiator codon. This deletion extends beyond the assayed region for this gene and therefore may encompass additional genes. It is expected to result in an absent or disrupted protein product. Loss-of-function variants in CSGALNACT1 are known to be pathogenic (PMID: 21148564, 27599773, 31325655).

Literature cited by the submitters: PubMed 21148564; PubMed 27599773; PubMed 31325655.